The following is an entry in ClinVar:

NM_001110556.2(FLNA):c.3002A>T (p.Gln1001Leu)

Gene: FLNA (filamin A; minus strand). Cytogenetic location: Xq28.
Variant type: single nucleotide variant.
Coding change: c.3002A>T on transcript NM_001110556.2 (MANE Select); coding-DNA position 3002, A replaced by T.
Protein change: p.Gln1001Leu; replaces glutamine 1001 with leucine.
Molecular consequence: missense variant.
Genome position (GRCh38, 1-based): chrX:154,361,513, T>A on the plus strand (A>T on the coding strand, the complement: FLNA is on the minus strand). VCF-style: chrX-154361513-T-A. GRCh37 (hg19) VCF-style: chrX-153589881-T-A.
Other names: c.3002A>T, p.Gln1001Leu (NM_001456.4); short protein forms Q1001L.
Identifiers: ClinVar variation 3754001 (VCV003754001.2).
Genomic context (GRCh38, chrX:154,361,513, plus strand): 5'-TCCACCTTGCAGGGCACCGCTGCACCCGAGGGGCCCACAATCTTGGATGCCACTTTGCCT[T>A]GACCACCAGCACCCTTTGATTTGACTGTGAACTCCTGGTCTTTGCCAACGTCCACCTCTG-3'
Protein context (NP_001104026.1, residues 991-1011): FTVKSKGAGG[Gln1001Leu]GKVASKIVGP

ClinVar aggregate classification (germline): Uncertain significance (1 of 4 stars; one submission).

Conditions:
Melnick-Needles syndrome (MNS). Also called: MELNICK-NEEDLES OSTEODYSPLASTY; OSTEODYSPLASTY OF MELNICK AND NEEDLES; Melnick-Needles Syndrome (FLNA-MNS). Identifiers: Orphanet 2484, MedGen C0025237, MONDO:0010650, OMIM 309350.
Frontometaphyseal dysplasia (FMD1). Identifiers: Orphanet 1826, MedGen C0265293, MONDO:0015942.
Heterotopia, periventricular, X-linked dominant (PVNH1). Also called: PERIVENTRICULAR NODULAR HETEROTOPIA 1; X-linked periventricular heterotopia; PERIVENTRICULAR NODULAR HETEROTOPIA 4; HETEROTOPIA, PERIVENTRICULAR, 1. Identifiers: Orphanet 2149, Orphanet 82004, MedGen C1848213, MONDO:0010233, OMIM 300049.
Oto-palato-digital syndrome, type II (OPD2). Also called: FACIOPALATOOSSEOUS SYNDROME; OPD II SYNDROME; Otopalatodigital Syndrome, Type II; Otopalatodigital Syndrome Type 2 (FLNA-OPD2). Identifiers: Orphanet 669, Orphanet 90652, MedGen C1844696, MONDO:0010571, OMIM 304120.

Submission:

Labcorp Genetics (formerly Invitae), Labcorp
Classification: Uncertain significance for Oto-palato-digital syndrome, type II; Heterotopia, periventricular, X-linked dominant; Frontometaphyseal dysplasia; Melnick-Needles syndrome. Last evaluated: 2024-02-08. Review status: criteria provided, single submitter. Criteria: Invitae Variant Classification Sherloc (09022015). Collection method: clinical testing. Allele origin: germline.
Comment: This sequence change replaces glutamine, which is neutral and polar, with leucine, which is neutral and non-polar, at codon 1001 of the FLNA protein (p.Gln1001Leu). This variant is not present in population databases (gnomAD no frequency). This variant has not been reported in the literature in individuals affected with FLNA-related conditions. Advanced modeling of protein sequence and biophysical properties (such as structural, functional, and spatial information, amino acid conservation, physicochemical variation, residue mobility, and thermodynamic stability) performed at Invitae indicates that this missense variant is not expected to disrupt FLNA protein function with a negative predictive value of 95%. In summary, the available evidence is currently insufficient to determine the role of this variant in disease. Therefore, it has been classified as a Variant of Uncertain Significance.